The following is an entry in ClinVar:

ClinVar aggregate classification (germline): Pathogenic. Review status: reviewed by expert panel (3 of 4 stars). 7 submissions from 7 submitters: Pathogenic (1). 6 of the submissions do not count toward it. Last evaluated 2020-05-14.

Conditions:
Phenylketonuria (PKU). Also called: Phenylketonuria (PKU); FOLLING DISEASE; OLIGOPHRENIA PHENYLPYRUVICA; Phenylketonurias. Identifiers: Orphanet 716, MedGen C0031485, MONDO:0009861, OMIM 261600. Disease mechanism: loss of function.

Allele frequency attached by ClinVar (database versions not stated): gnomAD exomes below 0.00001; ExAC 0.00001.
gnomAD v4.1: 1 of 1,612,324 alleles (0.000062%); highest among the groups gnomAD compares: Non-Finnish European, 0.000085%; no homozygotes.

Submissions (7):

ClinGen PAH Variant Curation Expert Panel
Classification: Pathogenic for Phenylketonuria. Last evaluated: 2020-05-14. Review status: reviewed by expert panel. Criteria: ClinGen PAH ACMG Specifications v1. Collection method: curation. Allele origin: germline. Inheritance: Autosomal recessive inheritance.
Comment: BH4 deficiency was excluded by analysis of urinary pterins and dihydropteridine reductase activity in erythrocytes (PP4-Moderate). This null variant, canonical +1 splice site, is in a gene where LOF is a known mechanism of disease. Exon skipping disrupts reading frame. Predicted to undergo NMD, not located in last exon or last 50bp of preliminary exon. Coding exon number 5 out of 13 coding exons (PVS1). Variant identified in 1/66684 European alleles in ExAC. This variant is present in European (non-Finnish) populations at a frequency of 0.00001 (Gnomad, ExAC) (PM2). In summary, this variant meets criteria to be classified as pathogenic for PAH. PAH-specific ACMG/AMP criteria applied: PVS1, PM2, PP4-Moderate.

Labcorp Genetics (formerly Invitae), Labcorp
Classification: Pathogenic for Phenylketonuria. Last evaluated: 2025-12-01. Review status: criteria provided, single submitter. Criteria: Invitae Variant Classification Sherloc (09022015). Collection method: clinical testing. Allele origin: germline. Not counted in ClinVar's aggregate classification.
Comment: This sequence change affects a donor splice site in intron 5 of the PAH gene. It is expected to disrupt RNA splicing. Variants that disrupt the donor or acceptor splice site typically lead to a loss of protein function (PMID: 16199547), and loss-of-function variants in PAH are known to be pathogenic (PMID: 1301187, 9634518). This variant is present in population databases (rs63102461, gnomAD 0.0009%). Disruption of this splice site has been observed in individual(s) with hyperphenylalaninemia and phenylketonuria (PMID: 8889590, 26666653, 29499199). In at least one individual the data is consistent with being in trans (on the opposite chromosome) from a pathogenic variant. ClinVar contains an entry for this variant (Variation ID: 102707). Algorithms developed to predict the effect of sequence changes on RNA splicing suggest that this variant may disrupt the consensus splice site. For these reasons, this variant has been classified as Pathogenic.

Natera, Inc.
Classification: Pathogenic for Phenylketonuria. Last evaluated: 2024-11-15. Review status: criteria provided, single submitter. Criteria: Natera Variant Classification Schema (03/2026). Collection method: clinical testing. Allele origin: germline. Not counted in ClinVar's aggregate classification.
Comment: The c.509+1G>A variant in PAH is a canonical splice donor site variant predicted to affect pre-mRNA splicing, which may result in an abnormal transcript and altered protein product. This variant is expected to result in nonsense mediated decay, truncation, or a dysfunctional protein product. This variant is rare in the general population with a frequency below the threshold expected for the associated phenotype(s). This variant has been observed in one or more individuals affected with the associated recessive disease, as either homozygous or compound heterozygous with a second variant (PMID: 22841515). Given the available evidence, this variant is classified as Pathogenic.

Women's Health and Genetics/Laboratory Corporation of America, LabCorp
Classification: Pathogenic for Phenylketonuria. Last evaluated: 2022-11-25. Review status: criteria provided, single submitter. Criteria: LabCorp Variant Classification Summary - May 2015. Collection method: clinical testing. Allele origin: germline. Not counted in ClinVar's aggregate classification.
Comment: Variant summary: PAH c.509+1G>A is located in a canonical splice-site and is predicted to affect mRNA splicing resulting in a significantly altered protein due to either exon skipping, shortening, or inclusion of intronic material. Several computational tools predict a significant impact on normal splicing: four predict the variant abolishes a 5' splicing donor site. The variant allele was found at a frequency of 4e-06 in 251342 control chromosomes. c.509+1G>A has been reported in the literature in multiple individuals affected with Phenylalanine Hydroxylase Deficiency (Phenylketonuria) (e.g. Guldberg_1996, Zhu_2010, Quirk_2012, Reblova_2013, Jeannesson-Thivisol_2015). These data indicate that the variant is very likely to be associated with disease. To our knowledge, no experimental evidence demonstrating an impact on protein function has been reported. Fout ClinVar submitters including an expert panel (evaluation after 2014) have classified the variant as pathogenic. Based on the evidence outlined above, the variant was classified as pathogenic.

Revvity Omics, Revvity
Classification: Pathogenic for Phenylketonuria. Last evaluated: 2020-03-27. Review status: criteria provided, single submitter. Criteria: ACMG Guidelines, 2015. Collection method: clinical testing. Allele origin: germline. Not counted in ClinVar's aggregate classification.

Juno Genomics, Hangzhou Juno Genomics, Inc
Classification: Pathogenic for Phenylketonuria. Review status: criteria provided, single submitter. Criteria: ACMG Guidelines, 2015. Collection method: clinical testing. Allele origin: germline. Affected: yes. Not counted in ClinVar's aggregate classification.
Comment: Null variant in a gene where loss of function (LOF) is a known mechanism of disease.;Absent from controls (or at extremely low frequency if recessive) in Genome Aggregation Database, Exome Sequencing Project, 1000 Genomes Project, or Exome Aggregation Consortium.;Patient's phenotype or family history is highly specific for a disease with a single genetic etiology.

DeBelle Laboratory for Biochemical Genetics, MUHC/MCH RESEARCH INSTITUTE
No classification provided. Review status: no classification provided. Collection method: not provided. Allele origin: not provided. Not counted in ClinVar's aggregate classification.

Literature cited by the submitters: PubMed 16199547 (cited by Labcorp Genetics (formerly Invitae), Labcorp); PubMed 1301187 (cited by Labcorp Genetics (formerly Invitae), Labcorp); PubMed 9634518 (cited by Labcorp Genetics (formerly Invitae), Labcorp); PubMed 8889590 (cited by Labcorp Genetics (formerly Invitae), Labcorp and Women's Health and Genetics/Laboratory Corporation of America, LabCorp); PubMed 26666653 (cited by Labcorp Genetics (formerly Invitae), Labcorp and Women's Health and Genetics/Laboratory Corporation of America, LabCorp); PubMed 29499199 (cited by Labcorp Genetics (formerly Invitae), Labcorp); PubMed 22841515 (cited by Natera, Inc. and Women's Health and Genetics/Laboratory Corporation of America, LabCorp); PubMed 26322415 (cited by Women's Health and Genetics/Laboratory Corporation of America, LabCorp); PubMed 23357515 (cited by Women's Health and Genetics/Laboratory Corporation of America, LabCorp); PubMed 35079019 (cited by Women's Health and Genetics/Laboratory Corporation of America, LabCorp); PubMed 19915519 (cited by Women's Health and Genetics/Laboratory Corporation of America, LabCorp).

NM_000277.3(PAH):c.509+1G>A

Gene: PAH (phenylalanine hydroxylase; minus strand). Cytogenetic location: 12q23.2.
Variant type: single nucleotide variant.
Coding change: c.509+1G>A on transcript NM_000277.3 (MANE Select); the canonical splice donor site of the intron after coding-DNA position 509, G replaced by A.
Molecular consequence: splice donor variant.
Genome position (GRCh38, 1-based): chr12:102,866,595, C>T on the plus strand (G>A on the coding strand, the complement: PAH is on the minus strand). VCF-style: chr12-102866595-C-T. GRCh37 (hg19) VCF-style: chr12-103260373-C-T.
Other names: c.509+1G>A (NM_000277.2, NM_001354304.2).
Identifiers: ClinVar variation 102707 (VCV000102707.24), dbSNP rs63102461, ClinGen allele CA229589.